The following is an entry in ClinVar:

ClinVar aggregate classification (germline): Uncertain significance (1 of 4 stars; one submission).

Allele frequency attached by ClinVar (database versions not stated): TOPMed below 0.00001; gnomAD exomes 0.00001.
gnomAD v4.1: 18 of 1,549,862 alleles (0.0012%); highest among the groups gnomAD compares: South Asian, 0.0047%; no homozygotes.

Submission:

Labcorp Genetics (formerly Invitae), Labcorp
Classification: Uncertain significance. Last evaluated: 2021-11-28. Review status: criteria provided, single submitter. Criteria: Invitae Variant Classification Sherloc (09022015). Collection method: clinical testing. Allele origin: germline.
Comment: This sequence change affects codon 169 of the DGKZ mRNA. It is a 'silent' change, meaning that it does not change the encoded amino acid sequence of the DGKZ protein. In summary, the available evidence is currently insufficient to determine the role of this variant in disease. Therefore, it has been classified as a Variant of Uncertain Significance. Algorithms developed to predict the effect of sequence changes on RNA splicing suggest that this variant may create or strengthen a splice site. This variant has not been reported in the literature in individuals affected with DGKZ-related conditions. This variant is not present in population databases (gnomAD no frequency).

NM_001199267.2(DGKZ):c.162-528G>A

Gene: DGKZ (diacylglycerol kinase zeta; plus strand). Cytogenetic location: 11p11.2.
Variant type: single nucleotide variant.
Coding change: c.162-528G>A on transcript NM_001199267.2 (MANE Select); 528 bases into the intron before coding-DNA position 162, G replaced by A.
Molecular consequence: intron variant. On other transcripts: synonymous variant (1).
Genome position (GRCh38, 1-based): chr11:46,366,763, G>A. VCF-style: chr11-46366763-G-A. GRCh37 (hg19) VCF-style: chr11-46388313-G-A.
Other names: c.507G>A, p.Ala169= (NM_001105540.2); c.213-528G>A (NM_201532.3); c.177-528G>A (NM_201533.3); c.162-528G>A (NM_001199266.2, NM_003646.4, NM_001199268.2).
Identifiers: ClinVar variation 1356803 (VCV001356803.6), dbSNP rs754245881, ClinGen allele CA5962175.
Genomic context (GRCh38, chr11:46,366,763, plus strand): 5'-CCAGCCGCTGTTGCCCCTACCCCGCTACCTGCGCCGAGCCTCCTCCCACCTGCTCCCCGC[G>A]GATGCCGTATATGACCACGCTCTCTGGGGCCTGCACGGCTACTATCGGCGCCTCAGCCAG-3'